The following is an entry in ClinVar:

NM_000548.5(TSC2):c.484G>A (p.Asp162Asn)

Gene: TSC2 (TSC complex subunit 2; plus strand). Cytogenetic location: 16p13.3.
Variant type: single nucleotide variant.
Coding change: c.484G>A on transcript NM_000548.5 (MANE Select); coding-DNA position 484, G replaced by A.
Protein change: p.Asp162Asn; replaces aspartic acid 162 with asparagine.
Molecular consequence: missense variant. On other transcripts: intron variant (1).
Genome position (GRCh38, 1-based): chr16:2,055,404, G>A. VCF-style: chr16-2055404-G-A. GRCh37 (hg19) VCF-style: chr16-2105405-G-A.
Other names: c.484G>A, p.Asp162Asn (NM_001077183.3, NM_001114382.3, NM_001363528.2 and 3 more transcripts); c.373G>A, p.Asp125Asn (NM_001318827.2); c.337G>A, p.Asp113Asn (NM_001318829.2); c.517G>A, p.Asp173Asn (NM_001318832.2); c.-1-792G>A (NM_001318831.2); short protein forms D162N, D113N, D173N, D125N.
Identifiers: ClinVar variation 535868 (VCV000535868.19), dbSNP rs1257721773, ClinGen allele CA394309028.

ClinVar aggregate classification (germline): Conflicting classifications of pathogenicity. Review status: criteria provided, conflicting classifications (1 of 4 stars). 4 submissions from 4 submitters: Uncertain significance (1); Benign (1); Likely benign (2). Last evaluated 2025-12-14.

Conditions:
Hereditary cancer-predisposing syndrome. Also called: Neoplastic Syndromes, Hereditary; Hereditary neoplastic syndrome; Tumor predisposition; Hereditary Cancer Syndrome. Identifiers: Orphanet 140162, MedGen C0027672, MeSH D009386, MONDO:0015356.
Tuberous sclerosis 2 (TSC2). Identifiers: Orphanet 805, MedGen C1860707, MONDO:0013199, OMIM 613254.
Tuberous sclerosis syndrome (TSC). Also called: Tuberous Sclerosis Complex; Tuberous sclerosis. Identifiers: Orphanet 805, MedGen C0041341, MONDO:0001734.

Allele frequency attached by ClinVar (database versions not stated): gnomAD exomes below 0.00001; TOPMed below 0.00001; gnomAD 0.00001.
gnomAD v4.1: 6 of 1,614,014 alleles (0.00037%); highest among the groups gnomAD compares: African/African-American, 0.0013%; no homozygotes.

Submissions (4):

Labcorp Genetics (formerly Invitae), Labcorp
Classification: Benign for Tuberous sclerosis 2. Last evaluated: 2025-12-14. Review status: criteria provided, single submitter. Criteria: Invitae Variant Classification Sherloc (09022015). Collection method: clinical testing. Allele origin: germline.

All of Us Research Program, National Institutes of Health
Classification: Uncertain significance for Tuberous sclerosis syndrome. Last evaluated: 2024-02-05. Review status: criteria provided, single submitter. Criteria: ACMG Guidelines, 2015. Collection method: clinical testing. Allele origin: germline. Inheritance: Autosomal dominant inheritance. Observed: 2 variant alleles, 2 heterozygotes.
Comment: This missense variant replaces aspartic acid with asparagine at codon 162 of the TSC2 protein. Computational prediction suggests that this variant may not impact protein structure and function (internally defined REVEL score threshold <= 0.5, PMID: 27666373). To our knowledge, functional studies have not been reported for this variant. This variant has not been reported in individuals affected with tuberous sclerosis complex in the literature. This variant has been identified in 2/282880 chromosomes in the general population by the Genome Aggregation Database (gnomAD). The available evidence is insufficient to determine the role of this variant in disease conclusively. Therefore, this variant is classified as a Variant of Uncertain Significance.

This study involves interpretation of variants in research participants for the purpose of population health screening. Participant phenotype was not available at the time of variant classification. Additional details can be found in publication PMID: 35346344, PMCID: PMC8962531

Ambry Genetics
Classification: Likely benign for Hereditary cancer-predisposing syndrome. Last evaluated: 2023-03-24. Review status: criteria provided, single submitter. Criteria: Ambry Variant Classification Scheme 2023. Collection method: clinical testing. Allele origin: germline.

Genome-Nilou Lab
Classification: Likely benign for Tuberous sclerosis 2. Last evaluated: 2021-11-07. Review status: criteria provided, single submitter. Criteria: ACMG Guidelines, 2015. Collection method: clinical testing. Allele origin: germline. Affected: no.